The following is an entry in ClinVar:

ClinVar aggregate classification (germline): Uncertain significance. Review status: criteria provided, multiple submitters, no conflicts (2 of 4 stars). 2 submissions from 2 submitters: Uncertain significance (2). Last evaluated 2026-07-23.

Conditions:
Hereditary cancer-predisposing syndrome. Also called: Neoplastic Syndromes, Hereditary; Hereditary Cancer Syndrome; Tumor predisposition; Hereditary neoplastic syndrome. Identifiers: Orphanet 140162, MedGen C0027672, MeSH D009386, MONDO:0015356.
Retinoblastoma (RB1). Also called: RETINOBLASTOMA, SOMATIC. Identifiers: Orphanet 790, MedGen C0035335, MeSH D012175, MONDO:0008380, OMIM 180200, HP:0009919. Disease mechanism: loss of function. Inheritance: Both sporadic and heritable forms are tested..

Submissions (2):

Ambry Genetics
Classification: Uncertain significance for Hereditary cancer-predisposing syndrome. Last evaluated: 2026-07-23. Review status: criteria provided, single submitter. Criteria: Ambry Variant Classification Scheme 2023. Collection method: clinical testing. Allele origin: germline.

Labcorp Genetics (formerly Invitae), Labcorp
Classification: Uncertain significance for Retinoblastoma. Last evaluated: 2020-05-27. Review status: criteria provided, single submitter. Criteria: Invitae Variant Classification Sherloc (09022015). Collection method: clinical testing. Allele origin: germline.
Comment: This sequence change replaces glutamine with arginine at codon 597 of the RB1 protein (p.Gln597Arg). The glutamine residue is highly conserved and there is a small physicochemical difference between glutamine and arginine. This variant is not present in population databases (ExAC no frequency). This variant has not been reported in the literature in individuals with RB1-related conditions. Algorithms developed to predict the effect of missense changes on protein structure and function are either unavailable or do not agree on the potential impact of this missense change (SIFT: "Tolerated"; PolyPhen-2: "Possibly Damaging"; Align-GVGD: "Class C0"). In summary, the available evidence is currently insufficient to determine the role of this variant in disease. Therefore, it has been classified as a Variant of Uncertain Significance.

NM_000321.3(RB1):c.1790A>G (p.Gln597Arg)

Gene: RB1 (RB transcriptional corepressor 1; plus strand). Cytogenetic location: 13q14.2.
Variant type: single nucleotide variant.
Coding change: c.1790A>G on transcript NM_000321.3 (MANE Select); coding-DNA position 1790, A replaced by G.
Protein change: p.Gln597Arg; replaces glutamine 597 with arginine.
Molecular consequence: missense variant.
Genome position (GRCh38, 1-based): chr13:48,453,087, A>G. VCF-style: chr13-48453087-A-G. GRCh37 (hg19) VCF-style: chr13-49027223-A-G.
Other names: short protein forms Q597R.
Identifiers: ClinVar variation 950141 (VCV000950141.11), dbSNP rs1949338800, ClinGen allele CA388165617.